The following is an entry in ClinVar:

ClinVar aggregate classification (germline): Uncertain significance. Review status: criteria provided, multiple submitters, no conflicts (2 of 4 stars). 2 submissions from 2 submitters: Uncertain significance (2). Last evaluated 2024-11-28.

Conditions:
Hereditary cancer-predisposing syndrome. Also called: Tumor predisposition; Hereditary neoplastic syndrome; Neoplastic Syndromes, Hereditary; Hereditary Cancer Syndrome. Identifiers: Orphanet 140162, MedGen C0027672, MeSH D009386, MONDO:0015356.

Submissions (2):

Ambry Genetics
Classification: Uncertain significance for Hereditary cancer-predisposing syndrome. Last evaluated: 2024-11-28. Review status: criteria provided, single submitter. Criteria: Ambry Variant Classification Scheme 2023. Collection method: clinical testing. Allele origin: germline.
Comment: The p.V504A variant (also known as c.1511T>C), located in coding exon 10 of the RAD50 gene, results from a T to C substitution at nucleotide position 1511. The valine at codon 504 is replaced by alanine, an amino acid with similar properties. This amino acid position is well conserved in available vertebrate species. In addition, the in silico prediction for this alteration is inconclusive. Since supporting evidence is limited at this time, the clinical significance of this alteration remains unclear.

Labcorp Genetics (formerly Invitae), Labcorp
Classification: Uncertain significance for Hereditary cancer-predisposing syndrome. Last evaluated: 2023-08-27. Review status: criteria provided, single submitter. Criteria: Invitae Variant Classification Sherloc (09022015). Collection method: clinical testing. Allele origin: germline.
Comment: ClinVar contains an entry for this variant (Variation ID: 819428). Advanced modeling of protein sequence and biophysical properties (such as structural, functional, and spatial information, amino acid conservation, physicochemical variation, residue mobility, and thermodynamic stability) has been performed at Invitae for this missense variant, however the output from this modeling did not meet the statistical confidence thresholds required to predict the impact of this variant on RAD50 protein function. This variant has not been reported in the literature in individuals affected with RAD50-related conditions. This variant is not present in population databases (gnomAD no frequency). This sequence change replaces valine, which is neutral and non-polar, with alanine, which is neutral and non-polar, at codon 504 of the RAD50 protein (p.Val504Ala). In summary, the available evidence is currently insufficient to determine the role of this variant in disease. Therefore, it has been classified as a Variant of Uncertain Significance.

NM_005732.4(RAD50):c.1511T>C (p.Val504Ala)

Gene: RAD50 (RAD50 double strand break repair protein; plus strand). Cytogenetic location: 5q31.1.
Variant type: single nucleotide variant.
Coding change: c.1511T>C on transcript NM_005732.4 (MANE Select); coding-DNA position 1511, T replaced by C.
Protein change: p.Val504Ala; replaces valine 504 with alanine.
Molecular consequence: missense variant.
Genome position (GRCh38, 1-based): chr5:132,591,282, T>C. VCF-style: chr5-132591282-T-C. GRCh37 (hg19) VCF-style: chr5-131926974-T-C.
Other names: short protein forms V504A.
Identifiers: ClinVar variation 819428 (VCV000819428.8), dbSNP rs1036156002, ClinGen allele CA127246137.